The following is an entry in ClinVar:

ClinVar aggregate classification (germline): Uncertain significance (1 of 4 stars; one submission).

Conditions:
WNK1-related disorder. Also called: WNK1-related condition.

gnomAD v4.1: 9 of 1,613,990 alleles (0.00056%); highest among the groups gnomAD compares: Admixed American, 0.0033%; no homozygotes.

Submission:

PreventionGenetics, part of Exact Sciences
Classification: Uncertain significance for WNK1-related condition. Last evaluated: 2026-08-06. Review status: criteria provided, single submitter. Criteria: ACMG Guidelines, 2015. Collection method: clinical testing. Allele origin: germline.
Comment: The WNK1 c.2959A>G variant is predicted to result in the amino acid substitution p.Thr987Ala. On alternate transcripts expressed in neurological tissues (NM_001184985.2, NM_213655.3), this variant is referred to as c.3739A>G (p.Thr1247Ala) and c.3868-845A>G (Intronic), respectively. To our knowledge, this variant has not been reported in the literature. This variant is reported in 0.0058% of alleles in individuals of Latino descent in gnomAD. At this time, the clinical significance of this variant is uncertain due to the absence of conclusive functional and genetic evidence.

NM_018979.4(WNK1):c.2959A>G (p.Thr987Ala)

Gene: WNK1 (WNK lysine deficient protein kinase 1; plus strand). Cytogenetic location: 12p13.33.
Variant type: single nucleotide variant.
Coding change: c.2959A>G on transcript NM_018979.4 (MANE Select); coding-DNA position 2959, A replaced by G.
Protein change: p.Thr987Ala; replaces threonine 987 with alanine.
Molecular consequence: missense variant. On other transcripts: intron variant (2).
Genome position (GRCh38, 1-based): chr12:880,847, A>G. VCF-style: chr12-880847-A-G. GRCh37 (hg19) VCF-style: chr12-990013-A-G.
Other names: c.3739A>G, p.Thr1247Ala (NM_001184985.2); c.3868-845A>G (NM_213655.5); c.2371-845A>G (NM_014823.3); short protein forms T1247A, T987A.
Identifiers: ClinVar variation 4980652 (VCV004980652.1).